The following is an entry in ClinVar:

NM_000069.3(CACNA1S):c.5483T>C (p.Met1828Thr)

Gene: CACNA1S (calcium voltage-gated channel subunit alpha1 S; minus strand). Cytogenetic location: 1q32.1.
Variant type: single nucleotide variant.
Coding change: c.5483T>C on transcript NM_000069.3 (MANE Select); coding-DNA position 5483, T replaced by C.
Protein change: p.Met1828Thr; replaces methionine 1828 with threonine.
Molecular consequence: missense variant.
Genome position (GRCh38, 1-based): chr1:201,039,970, A>G on the plus strand (T>C on the coding strand, the complement: CACNA1S is on the minus strand). VCF-style: chr1-201039970-A-G. GRCh37 (hg19) VCF-style: chr1-201009098-A-G.
Other names: short protein forms M1828T.
Identifiers: ClinVar variation 3386266 (VCV003386266.2).

ClinVar aggregate classification (germline): Uncertain significance. Review status: criteria provided, multiple submitters, no conflicts (2 of 4 stars). 2 submissions from 2 submitters: Uncertain significance (2). Last evaluated 2024-04-16.

Conditions:
Malignant hyperthermia, susceptibility to, 5 (MHS5). Also called: CACNA1S-Related Malignant Hyperthermia Susceptibility. Identifiers: Orphanet 423, MedGen C1866077, MONDO:0011163, OMIM 601887.
Hypokalemic periodic paralysis, type 1. Also called: Hypokalemic Periodic Paralysis Type 1 (AD); HypoPP. Identifiers: Orphanet 681, MedGen C3714580, MONDO:0042979, OMIM 170400.

Submissions (2):

All of Us Research Program, National Institutes of Health
Classification: Uncertain significance for Malignant hyperthermia, susceptibility to, 5. Last evaluated: 2024-04-16. Review status: criteria provided, single submitter. Criteria: ACMG Guidelines, 2015. Collection method: clinical testing. Allele origin: germline. Inheritance: Autosomal dominant inheritance. Observed: 2 variant alleles, 2 heterozygotes.
Comment: This missense variant replaces methionine with threonine at codon 1828 of the CACNA1S protein. Computational prediction suggests that this variant may not impact protein structure and function (internally defined REVEL score threshold <= 0.5, PMID: 27666373). To our knowledge, functional studies have not been reported for this variant. This variant has not been reported in individuals affected with CACNA1S-related disorders in the literature. This variant has been identified in 3/251420 chromosomes in the general population by the Genome Aggregation Database (gnomAD). The available evidence is insufficient to determine the role of this variant in disease conclusively. Therefore, this variant is classified as a Variant of Uncertain Significance.

This study involves interpretation of variants in research participants for the purpose of population health screening. Participant phenotype was not available at the time of variant classification. Additional details can be found in publication PMID: 35346344, PMCID: PMC8962531

Labcorp Genetics (formerly Invitae), Labcorp
Classification: Uncertain significance for Hypokalemic periodic paralysis, type 1; Malignant hyperthermia, susceptibility to, 5. Last evaluated: 2024-02-20. Review status: criteria provided, single submitter. Criteria: Invitae Variant Classification Sherloc (09022015). Collection method: clinical testing. Allele origin: germline.
Comment: This sequence change replaces methionine, which is neutral and non-polar, with threonine, which is neutral and polar, at codon 1828 of the CACNA1S protein (p.Met1828Thr). This variant is present in population databases (rs754766494, gnomAD 0.003%). This variant has not been reported in the literature in individuals affected with CACNA1S-related conditions. Advanced modeling of protein sequence and biophysical properties (such as structural, functional, and spatial information, amino acid conservation, physicochemical variation, residue mobility, and thermodynamic stability) performed at Invitae indicates that this missense variant is not expected to disrupt CACNA1S protein function with a negative predictive value of 95%. In summary, the available evidence is currently insufficient to determine the role of this variant in disease. Therefore, it has been classified as a Variant of Uncertain Significance.